The following is an entry in ClinVar:

ClinVar aggregate classification (germline): Uncertain significance (1 of 4 stars; one submission).

Allele frequency attached by ClinVar (database versions not stated): gnomAD exomes below 0.00001.
gnomAD v4.1: 2 of 1,606,054 alleles (0.00012%); highest among the groups gnomAD compares: Non-Finnish European, 0.00017%; no homozygotes.

Submission:

Genetic Services Laboratory, University of Chicago
Classification: Uncertain significance. Last evaluated: 2021-03-29. Review status: criteria provided, single submitter. Criteria: ACMG Guidelines, 2015. Collection method: clinical testing. Allele origin: germline. Affected: no.
Comment: DNA sequence analysis of the ANKRD26 gene demonstrated a sequence change, c.697A>G, in exon 5 that results in an amino acid change, p.Asn233Asp. This sequence change is absent from known population databases (gnomAD). The p.Asn233Asp change affects a poorly conserved amino acid residue located in a domain of the ANKRD26 protein that is not known to be functional. The p.Asn233Asp substitution appears to be benign using several in-silico pathogenicity prediction tools (SIFT, PolyPhen2, Align GVGD, REVEL). This sequence change does not appear to have been previously described in patients with ANKRD26-related disorders. Due to the lack of sufficient evidences, the clinical significance of the p.Asn233Asp change remains unknown at this time.

NM_014915.3(ANKRD26):c.697A>G (p.Asn233Asp)

Gene: ANKRD26 (ankyrin repeat domain containing 26; minus strand). Cytogenetic location: 10p12.1.
Variant type: single nucleotide variant.
Coding change: c.697A>G on transcript NM_014915.3 (MANE Select); coding-DNA position 697, A replaced by G.
Protein change: p.Asn233Asp; replaces asparagine 233 with aspartic acid.
Molecular consequence: missense variant.
Genome position (GRCh38, 1-based): chr10:27,086,551, T>C on the plus strand (A>G on the coding strand, the complement: ANKRD26 is on the minus strand). VCF-style: chr10-27086551-T-C. GRCh37 (hg19) VCF-style: chr10-27375480-T-C.
Other names: c.697A>G, p.Asn233Asp (NM_001256053.2); short protein forms N233D.
Identifiers: ClinVar variation 1337898 (VCV001337898.4), dbSNP rs2135675645, ClinGen allele CA376365976.